The following is an entry in ClinVar:

NM_001376.5(DYNC1H1):c.3423A>C (p.Glu1141Asp)

Gene: DYNC1H1 (dynein cytoplasmic 1 heavy chain 1; plus strand). Cytogenetic location: 14q32.31.
Variant type: single nucleotide variant.
Coding change: c.3423A>C on transcript NM_001376.5 (MANE Select); coding-DNA position 3423, A replaced by C.
Protein change: p.Glu1141Asp; replaces glutamic acid 1141 with aspartic acid.
Molecular consequence: missense variant.
Genome position (GRCh38, 1-based): chr14:101,995,075, A>C. VCF-style: chr14-101995075-A-C. GRCh37 (hg19) VCF-style: chr14-102461412-A-C.
Other names: short protein forms E1141D.
Identifiers: ClinVar variation 939153 (VCV000939153.9), dbSNP rs2048043377, ClinGen allele CA391034131.

ClinVar aggregate classification (germline): Uncertain significance (1 of 4 stars; one submission).

Conditions:
Charcot-Marie-Tooth disease axonal type 2O. Also called: CHARCOT-MARIE-TOOTH NEUROPATHY, AXONAL, TYPE 2O; CHARCOT-MARIE-TOOTH DISEASE, AXONAL, AUTOSOMAL DOMINANT, TYPE 2O; Charcot-Marie-Tooth disease, axonal, type 20; Charcot-Marie-Tooth Neuropathy Type 2O. Identifiers: Orphanet 284232, MedGen C3280220, MONDO:0013644, OMIM 614228.

Submission:

Labcorp Genetics (formerly Invitae), Labcorp
Classification: Uncertain significance for Charcot-Marie-Tooth disease axonal type 2O. Last evaluated: 2024-02-24. Review status: criteria provided, single submitter. Criteria: Invitae Variant Classification Sherloc (09022015). Collection method: clinical testing. Allele origin: germline.
Comment: This sequence change replaces glutamic acid, which is acidic and polar, with aspartic acid, which is acidic and polar, at codon 1141 of the DYNC1H1 protein (p.Glu1141Asp). This variant is not present in population databases (gnomAD no frequency). This variant has not been reported in the literature in individuals affected with DYNC1H1-related conditions. ClinVar contains an entry for this variant (Variation ID: 939153). Advanced modeling of protein sequence and biophysical properties (such as structural, functional, and spatial information, amino acid conservation, physicochemical variation, residue mobility, and thermodynamic stability) performed at Invitae indicates that this missense variant is not expected to disrupt DYNC1H1 protein function with a negative predictive value of 95%. In summary, the available evidence is currently insufficient to determine the role of this variant in disease. Therefore, it has been classified as a Variant of Uncertain Significance.